The following is an entry in ClinVar:

ClinVar aggregate classification (germline): Uncertain significance. Review status: criteria provided, multiple submitters, no conflicts (2 of 4 stars). 2 submissions from 2 submitters: Uncertain significance (2). Last evaluated 2025-10-01.

Conditions:
Inborn genetic diseases. Identifiers: MedGen C0950123, MeSH D030342.

Allele frequency attached by ClinVar (database versions not stated): gnomAD exomes below 0.00001; gnomAD 0.00002; 1000 Genomes Project 30x 0.00031.
gnomAD v4.1: 7 of 1,322,230 alleles (0.00053%); highest among the groups gnomAD compares: East Asian, 0.0062%; no homozygotes.

Submissions (2):

Labcorp Genetics (formerly Invitae), Labcorp
Classification: Uncertain significance. Last evaluated: 2025-10-01. Review status: criteria provided, single submitter. Criteria: Invitae Variant Classification Sherloc (09022015). Collection method: clinical testing. Allele origin: germline.
Comment: This sequence change replaces glycine, which is neutral and non-polar, with arginine, which is basic and polar, at codon 333 of the ARID1B protein (p.Gly333Arg). The frequency data for this variant in the population databases is considered unreliable, as metrics indicate poor data quality at this position in the gnomAD database. This variant has not been reported in the literature in individuals affected with ARID1B-related conditions. ClinVar contains an entry for this variant (Variation ID: 2988012). Invitae Evidence Modeling of protein sequence and biophysical properties (such as structural, functional, and spatial information, amino acid conservation, physicochemical variation, residue mobility, and thermodynamic stability) indicates that this missense variant is not expected to disrupt ARID1B protein function with a negative predictive value of 95%. In summary, the available evidence is currently insufficient to determine the role of this variant in disease. Therefore, it has been classified as a Variant of Uncertain Significance.

Ambry Genetics
Classification: Uncertain significance for Inborn genetic diseases. Last evaluated: 2024-03-19. Review status: criteria provided, single submitter. Criteria: Ambry Variant Classification Scheme 2023. Collection method: clinical testing. Allele origin: germline.

NM_001374828.1(ARID1B):c.1246G>A (p.Gly416Arg)

Gene: ARID1B (AT-rich interaction domain 1B; plus strand). Cytogenetic location: 6q25.3.
Variant type: single nucleotide variant.
Coding change: c.1246G>A on transcript NM_001374828.1 (MANE Select); coding-DNA position 1246, G replaced by A.
Protein change: p.Gly416Arg; replaces glycine 416 with arginine.
Molecular consequence: missense variant.
Genome position (GRCh38, 1-based): chr6:156,778,926, G>A. VCF-style: chr6-156778926-G-A. GRCh37 (hg19) VCF-style: chr6-157100060-G-A.
Other names: c.1246G>A, p.Gly416Arg (NM_001371656.1, NM_001374820.1, NM_017519.3); c.997G>A, p.Gly333Arg (NM_020732.3, NM_001346813.1); c.823G>A, p.Gly275Arg (NM_175863.2); short protein forms G275R, G416R, G333R.
Identifiers: ClinVar variation 2988012 (VCV002988012.4), dbSNP rs1227799981, ClinGen allele CA366383709.
Genomic context (GRCh38, chr6:156,778,926, plus strand): 5'-GGCGGCGGAGGAGGAGGAGGCAGCGGAGGAGGAGGAGGAGGAGGAGGAGCAGGAGCAGGA[G>A]GAGCAGGAGCGGGAGCTGTGGCGGCGGCGGCCGCGGCGGCGGCGGCAGCAGCAGGAGGCG-3'
Protein context (NP_001361757.1, residues 406-426): GGGGGGAGAG[Gly416Arg]AGAGAVAAAA